The following is an entry in ClinVar:

NM_021930.6(RINT1):c.1355C>T (p.Ser452Leu)

Gene: RINT1 (RAD50 interactor 1; plus strand). Cytogenetic location: 7q22.3.
Variant type: single nucleotide variant.
Coding change: c.1355C>T on transcript NM_021930.6 (MANE Select); coding-DNA position 1355, C replaced by T.
Protein change: p.Ser452Leu; replaces serine 452 with leucine.
Molecular consequence: missense variant. On other transcripts: non-coding transcript variant (1).
Genome position (GRCh38, 1-based): chr7:105,551,591, C>T. VCF-style: chr7-105551591-C-T. GRCh37 (hg19) VCF-style: chr7-105192038-C-T.
Other names: c.1121C>T, p.Ser374Leu (NM_001346599.2); c.332C>T, p.Ser111Leu (NM_001346600.2, NM_001346603.2); c.431C>T, p.Ser144Leu (NM_001346601.2); short protein forms S144L, S452L, S111L, S374L.
Identifiers: ClinVar variation 3946008 (VCV003946008.1).

ClinVar aggregate classification (germline): Uncertain significance (1 of 4 stars; one submission).

Submission:

Ambry Genetics
Classification: Uncertain significance. Last evaluated: 2025-05-24. Review status: criteria provided, single submitter. Criteria: Ambry Variant Classification Scheme 2023. Collection method: clinical testing. Allele origin: germline.
Comment: The p.S452L variant (also known as c.1355C>T), located in coding exon 10 of the RINT1 gene, results from a C to T substitution at nucleotide position 1355. The serine at codon 452 is replaced by leucine, an amino acid with dissimilar properties. This amino acid position is conserved. In addition, this alteration is predicted to be tolerated by in silico analysis. Based on the available evidence, the clinical significance of this variant remains unclear.